The following is an entry in ClinVar:

ClinVar aggregate classification (germline): Uncertain significance. Review status: criteria provided, multiple submitters, no conflicts (2 of 4 stars). 2 submissions from 2 submitters: Uncertain significance (2). Last evaluated 2024-01-23.

gnomAD v4.1: 1 of 1,613,856 alleles (0.000062%); highest among the groups gnomAD compares: Non-Finnish European, 0.000085%; no homozygotes.

Submissions (2):

Blueprint Genetics
Classification: Uncertain significance. Last evaluated: 2024-01-23. Review status: criteria provided, single submitter. Criteria: ACMG Guidelines, 2015. Collection method: clinical testing. Allele origin: germline.

Labcorp Genetics (formerly Invitae), Labcorp
Classification: Uncertain significance. Last evaluated: 2021-06-20. Review status: criteria provided, single submitter. Criteria: Invitae Variant Classification Sherloc (09022015). Collection method: clinical testing. Allele origin: germline.
Comment: This sequence change replaces histidine with arginine at codon 1531 of the VCAN protein (p.His1531Arg). The histidine residue is weakly conserved and there is a small physicochemical difference between histidine and arginine. This variant is not present in population databases (ExAC no frequency). This variant has not been reported in the literature in individuals with VCAN-related conditions. Algorithms developed to predict the effect of missense changes on protein structure and function (SIFT, PolyPhen-2, Align-GVGD) all suggest that this variant is likely to be tolerated, but these predictions have not been confirmed by published functional studies and their clinical significance is uncertain. In summary, the available evidence is currently insufficient to determine the role of this variant in disease. Therefore, it has been classified as a Variant of Uncertain Significance.

NM_004385.5(VCAN):c.4592A>G (p.His1531Arg)

Genes: VCAN (versican; plus strand), VCAN-AS1 (VCAN antisense RNA 1; minus strand). Cytogenetic location: 5q14.3.
Variant type: single nucleotide variant.
Coding change: c.4592A>G on transcript NM_004385.5 (MANE Select); coding-DNA position 4592, A replaced by G.
Protein change: p.His1531Arg; replaces histidine 1531 with arginine.
Molecular consequence: missense variant. On other transcripts: intron variant (2).
Genome position (GRCh38, 1-based): chr5:83,537,595, A>G. VCF-style: chr5-83537595-A-G. GRCh37 (hg19) VCF-style: chr5-82833414-A-G.
Other names: c.1631A>G, p.His544Arg (NM_001164097.2); c.4004-7942A>G (NM_001164098.2); c.1043-7942A>G (NM_001126336.3); short protein forms H544R, H1531R.
Identifiers: ClinVar variation 1402714 (VCV001402714.9), dbSNP rs1258125718, ClinGen allele CA360308588.